The following is an entry in ClinVar:

NM_022124.6(CDH23):c.8500G>A (p.Val2834Ile)

Gene: CDH23 (cadherin related 23; plus strand). Cytogenetic location: 10q22.1.
Variant type: single nucleotide variant.
Coding change: c.8500G>A on transcript NM_022124.6 (MANE Select); coding-DNA position 8500, G replaced by A.
Protein change: p.Val2834Ile; replaces valine 2834 with isoleucine.
Molecular consequence: missense variant.
Genome position (GRCh38, 1-based): chr10:71,807,707, G>A. VCF-style: chr10-71807707-G-A. GRCh37 (hg19) VCF-style: chr10-73567464-G-A.
Other names: c.1780G>A, p.Val594Ile (NM_001171933.1, NM_001171934.1); short protein forms V2834I, V594I.
Identifiers: ClinVar variation 1377391 (VCV001377391.3), dbSNP rs190672679, ClinGen allele CA5546668.

ClinVar aggregate classification (germline): Uncertain significance (1 of 4 stars; one submission).

Allele frequency attached by ClinVar (database versions not stated): gnomAD exomes 0.00001 and 0.00002; ExAC 0.00002; gnomAD 0.00002; TOPMed 0.00003; 1000 Genomes Project 0.00020; 1000 Genomes Project 30x 0.00047.
gnomAD v4.1: 26 of 1,612,352 alleles (0.0016%); highest among the groups gnomAD compares: Middle Eastern, 0.016%; no homozygotes.

Submission:

Labcorp Genetics (formerly Invitae), Labcorp
Classification: Uncertain significance. Last evaluated: 2022-10-04. Review status: criteria provided, single submitter. Criteria: Invitae Variant Classification Sherloc (09022015). Collection method: clinical testing. Allele origin: germline.
Comment: This sequence change replaces valine, which is neutral and non-polar, with isoleucine, which is neutral and non-polar, at codon 2834 of the CDH23 protein (p.Val2834Ile). This variant is present in population databases (rs190672679, gnomAD 0.006%). This variant has not been reported in the literature in individuals affected with CDH23-related conditions. ClinVar contains an entry for this variant (Variation ID: 1377391). Advanced modeling of protein sequence and biophysical properties (such as structural, functional, and spatial information, amino acid conservation, physicochemical variation, residue mobility, and thermodynamic stability) performed at Invitae indicates that this missense variant is not expected to disrupt CDH23 protein function. In summary, the available evidence is currently insufficient to determine the role of this variant in disease. Therefore, it has been classified as a Variant of Uncertain Significance.